The following is an entry in ClinVar:

NM_017617.5(NOTCH1):c.5725G>A (p.Val1909Ile)

Gene: NOTCH1 (notch receptor 1; minus strand). Cytogenetic location: 9q34.3.
Variant type: single nucleotide variant.
Coding change: c.5725G>A on transcript NM_017617.5 (MANE Select); coding-DNA position 5725, G replaced by A.
Protein change: p.Val1909Ile; replaces valine 1909 with isoleucine.
Molecular consequence: missense variant.
Genome position (GRCh38, 1-based): chr9:136,500,761, C>T on the plus strand (G>A on the coding strand, the complement: NOTCH1 is on the minus strand). VCF-style: chr9-136500761-C-T. GRCh37 (hg19) VCF-style: chr9-139395213-C-T.
Other names: short protein forms V1909I.
Identifiers: ClinVar variation 962755 (VCV000962755.11), dbSNP rs751228412, ClinGen allele CA5340138.
Genomic context (GRCh38, chr9:136,500,761, plus strand): 5'-CGCCCGTGCGGTCTGTCTGGTTGTGCAGGCTGGCGCCCTGGTAGATGAAGTCGGAGATGA[C>T]GGCCGGCGCGTCCTCCTCTTCCTCGCTGTTGCCCGTCTCCAGGCCGCCCCCGCTGCAGGA-3'
Protein context (NP_060087.3, residues 1899-1919): NSEEEEDAPA[Val1909Ile]ISDFIYQGAS

ClinVar aggregate classification (germline): Conflicting classifications of pathogenicity. Review status: criteria provided, conflicting classifications (1 of 4 stars). 3 submissions from 3 submitters: Uncertain significance (1); Benign (1); Likely benign (1). Last evaluated 2025-02-25.

Conditions:
Adams-Oliver syndrome 5 (AOS5). Identifiers: Orphanet 974, MedGen C4014970, MONDO:0014459, OMIM 616028.
Familial thoracic aortic aneurysm and aortic dissection (TAAD). Also called: Thoracic aortic aneurysms and dissections. Identifiers: Orphanet 91387, MedGen C4707243, MONDO:0019625.

Allele frequency attached by ClinVar (database versions not stated): gnomAD 0.00001; gnomAD exomes 0.00001 and 0.00002; ExAC 0.00002; TOPMed 0.00002.
gnomAD v4.1: 5 of 1,604,288 alleles (0.00031%); highest among the groups gnomAD compares: East Asian, 0.0022%; no homozygotes.

Submissions (3):

GeneDx
Classification: Uncertain significance. Last evaluated: 2025-02-25. Review status: criteria provided, single submitter. Criteria: GeneDx Variant Classification Process June 2021. Collection method: clinical testing. Allele origin: germline. Affected: yes.
Comment: Not observed at significant frequency in large population cohorts (gnomAD); In silico analysis indicates that this missense variant does not alter protein structure/function; Has not been previously published as pathogenic or benign to our knowledge

Ambry Genetics
Classification: Likely benign for Familial thoracic aortic aneurysm and aortic dissection. Last evaluated: 2025-02-07. Review status: criteria provided, single submitter. Criteria: Ambry Variant Classification Scheme 2023. Collection method: clinical testing. Allele origin: germline.

Labcorp Genetics (formerly Invitae), Labcorp
Classification: Benign for Adams-Oliver syndrome 5. Last evaluated: 2024-03-24. Review status: criteria provided, single submitter. Criteria: Invitae Variant Classification Sherloc (09022015). Collection method: clinical testing. Allele origin: germline.